The following is an entry in ClinVar:

ClinVar aggregate classification (germline): Likely benign. Review status: criteria provided, multiple submitters, no conflicts (2 of 4 stars). 2 submissions from 2 submitters: Likely benign (2). Last evaluated 2025-03-13.

Conditions:
LRP4-related disorder. Also called: LRP4-related condition.
Sclerosteosis 2 (SOST2). Identifiers: Orphanet 3152, MedGen C3280402, MONDO:0013679, OMIM 614305.
Congenital myasthenic syndrome 17. Identifiers: Orphanet 590, MedGen C4225377, MONDO:0014578, OMIM 616304.
Cenani-Lenz syndactyly syndrome. Also called: CENANI SYNDACTYLISM; SYNDACTYLY, TYPE VII. Identifiers: Orphanet 3258, MedGen C1859309, MONDO:0008931, OMIM 212780.

Submissions (2):

PreventionGenetics, part of Exact Sciences
Classification: Likely benign for LRP4-related condition. Last evaluated: 2025-03-13. Review status: criteria provided, single submitter. Criteria: ACMG Guidelines, 2015. Collection method: clinical testing. Allele origin: germline.
Comment: This variant is classified as likely benign based on ACMG/AMP sequence variant interpretation guidelines (Richards et al. 2015 PMID: 25741868, with internal and published modifications).

Labcorp Genetics (formerly Invitae), Labcorp
Classification: Likely benign for Cenani-Lenz syndactyly syndrome; Sclerosteosis 2; Congenital myasthenic syndrome 17. Last evaluated: 2023-06-03. Review status: criteria provided, single submitter. Criteria: Invitae Variant Classification Sherloc (09022015). Collection method: clinical testing. Allele origin: germline.

NM_002334.4(LRP4):c.3926-5A>G

Gene: LRP4 (LDL receptor related protein 4; minus strand). Cytogenetic location: 11p11.2.
Variant type: single nucleotide variant.
Coding change: c.3926-5A>G on transcript NM_002334.4 (MANE Select); 5 bases into the intron before coding-DNA position 3926, A replaced by G.
Molecular consequence: intron variant.
Genome position (GRCh38, 1-based): chr11:46,875,108, T>C on the plus strand (A>G on the coding strand, the complement: LRP4 is on the minus strand). VCF-style: chr11-46875108-T-C. GRCh37 (hg19) VCF-style: chr11-46896659-T-C.
Other names: c.3926-5A>G (NM_002334.3).
Identifiers: ClinVar variation 1898841 (VCV001898841.6), dbSNP rs773461039, ClinGen allele CA5969439.
Genomic context (GRCh38, chr11:46,875,108, plus strand): 5'-CCGAGGCAAGCAGAGGTGGGAGCAGCCGCCATTTCTCGAGCCGCACTTGTTAAAACCTGG[T>C]GATGAGAAGCACAAGTATTCACACCTAGCCTGGAACATCATCTGAATCTTACAAAGGTCC-3'